The following is an entry in ClinVar:

NM_000038.6(APC):c.4637A>C (p.Asn1546Thr)

Gene: APC (APC regulator of Wnt signaling pathway; plus strand). Cytogenetic location: 5q22.2.
Variant type: single nucleotide variant.
Coding change: c.4637A>C on transcript NM_000038.6 (MANE Select); coding-DNA position 4637, A replaced by C.
Protein change: p.Asn1546Thr; replaces asparagine 1546 with threonine.
Molecular consequence: missense variant.
Genome position (GRCh38, 1-based): chr5:112,840,231, A>C. VCF-style: chr5-112840231-A-C. GRCh37 (hg19) VCF-style: chr5-112175928-A-C.
Other names: c.4637A>C, p.Asn1546Thr (NM_001127510.3, NM_001354895.2); c.4583A>C, p.Asn1528Thr (NM_001127511.3); c.4691A>C, p.Asn1564Thr (NM_001354896.2); c.4667A>C, p.Asn1556Thr (NM_001354897.2); c.4562A>C, p.Asn1521Thr (NM_001354898.2); c.4553A>C, p.Asn1518Thr (NM_001354899.2); c.4514A>C, p.Asn1505Thr (NM_001354900.2); c.4460A>C, p.Asn1487Thr (NM_001354901.2); and 5 more; short protein forms N1263T, N1386T, N1420T, N1518T, N1521T, N1455T, N1487T, N1528T.
Identifiers: ClinVar variation 1507404 (VCV001507404.8), dbSNP rs2149919691, ClinGen allele CA16031490.

ClinVar aggregate classification (germline): Uncertain significance (1 of 4 stars; one submission).

Conditions:
Familial adenomatous polyposis 1 (FAP1). Also called: FAMILIAL ADENOMATOUS POLYPOSIS 1, ATTENUATED; POLYPOSIS, ADENOMATOUS INTESTINAL. Identifiers: MedGen C2713442, MONDO:0021056, OMIM 175100. Disease mechanism: loss of function.

Submission:

Labcorp Genetics (formerly Invitae), Labcorp
Classification: Uncertain significance for Familial adenomatous polyposis 1. Last evaluated: 2020-12-10. Review status: criteria provided, single submitter. Criteria: Invitae Variant Classification Sherloc (09022015). Collection method: clinical testing. Allele origin: germline.
Comment: In summary, the available evidence is currently insufficient to determine the role of this variant in disease. Therefore, it has been classified as a Variant of Uncertain Significance. Algorithms developed to predict the effect of missense changes on protein structure and function (SIFT, PolyPhen-2, Align-GVGD) all suggest that this variant is likely to be tolerated, but these predictions have not been confirmed by published functional studies and their clinical significance is uncertain. This variant has not been reported in the literature in individuals with APC-related conditions. This variant is not present in population databases (ExAC no frequency). This sequence change replaces asparagine with threonine at codon 1546 of the APC protein (p.Asn1546Thr). The asparagine residue is moderately conserved and there is a small physicochemical difference between asparagine and threonine.